The following is an entry in ClinVar:

ClinVar aggregate classification (germline): Uncertain significance (1 of 4 stars; one submission).

gnomAD v4.1: 1 of 1,611,234 alleles (0.000062%); highest among the groups gnomAD compares: Non-Finnish European, 0.000085%; no homozygotes.

Submission:

Mayo Clinic Laboratories, Mayo Clinic
Classification: Uncertain significance. Last evaluated: 2025-12-10. Review status: criteria provided, single submitter. Criteria: ACMG Guidelines, 2015. Collection method: clinical testing. Allele origin: germline. Observed: 1 variant allele.
Comment: BP4, PM2_supporting

NM_005506.4(SCARB2):c.62T>C (p.Val21Ala)

Gene: SCARB2 (scavenger receptor class B member 2; minus strand). Cytogenetic location: 4q21.1.
Variant type: single nucleotide variant.
Coding change: c.62T>C on transcript NM_005506.4 (MANE Select); coding-DNA position 62, T replaced by C.
Protein change: p.Val21Ala; replaces valine 21 with alanine.
Molecular consequence: missense variant.
Genome position (GRCh38, 1-based): chr4:76,213,482, A>G on the plus strand (T>C on the coding strand, the complement: SCARB2 is on the minus strand). VCF-style: chr4-76213482-A-G. GRCh37 (hg19) VCF-style: chr4-77134635-A-G.
Other names: p.Val21Ala; c.62T>C, p.Val21Ala (NM_001204255.2); short protein forms V21A.
Identifiers: ClinVar variation 4540984 (VCV004540984.1).